The following is an entry in ClinVar:

ClinVar aggregate classification (germline): Uncertain significance (1 of 4 stars; one submission).

Conditions:
46,XY sex reversal 9 (SRXY9). Also called: 46,XY SEX REVERSAL, ZFPM2-RELATED. Identifiers: Orphanet 251510, MedGen C4015129, MONDO:0014480, OMIM 616067.

Allele frequency attached by ClinVar (database versions not stated): gnomAD exomes below 0.00001.
gnomAD v4.1: 1 of 1,613,744 alleles (0.000062%); highest among the groups gnomAD compares: East Asian, 0.0022%; no homozygotes.

Submission:

Labcorp Genetics (formerly Invitae), Labcorp
Classification: Uncertain significance for 46,XY sex reversal 9. Last evaluated: 2022-01-14. Review status: criteria provided, single submitter. Criteria: Invitae Variant Classification Sherloc (09022015). Collection method: clinical testing. Allele origin: germline.
Comment: In summary, the available evidence is currently insufficient to determine the role of this variant in disease. Therefore, it has been classified as a Variant of Uncertain Significance. Algorithms developed to predict the effect of missense changes on protein structure and function are either unavailable or do not agree on the potential impact of this missense change (SIFT: "Deleterious"; PolyPhen-2: "Benign"; Align-GVGD: "Class C0"). ClinVar contains an entry for this variant (Variation ID: 1061567). This variant has not been reported in the literature in individuals affected with ZFPM2-related conditions. This variant is not present in population databases (gnomAD no frequency). This sequence change replaces asparagine, which is neutral and polar, with lysine, which is basic and polar, at codon 765 of the ZFPM2 protein (p.Asn765Lys).

NM_012082.4(ZFPM2):c.2295C>A (p.Asn765Lys)

Genes: ZFPM2-AS1 (ZFPM2 antisense RNA 1; minus strand), ZFPM2 (zinc finger protein, FOG family member 2; plus strand), LOC126860469 (BRD4-independent group 4 enhancer GRCh37_chr8:106814445-106815644; plus strand). Cytogenetic location: 8q23.1.
Variant type: single nucleotide variant.
Coding change: c.2295C>A on transcript NM_012082.4 (MANE Select); coding-DNA position 2295, C replaced by A.
Protein change: p.Asn765Lys; replaces asparagine 765 with lysine.
Molecular consequence: missense variant.
Genome position (GRCh38, 1-based): chr8:105,802,377, C>A. VCF-style: chr8-105802377-C-A. GRCh37 (hg19) VCF-style: chr8-106814605-C-A.
Other names: c.2136C>A, p.Asn712Lys (NM_001362836.2); c.1899C>A, p.Asn633Lys (NM_001362837.2); short protein forms N633K, N712K, N765K.
Identifiers: ClinVar variation 1061567 (VCV001061567.9), dbSNP rs2131180275, ClinGen allele CA371953763.
Genomic context (GRCh38, chr8:105,802,377, plus strand): 5'-CCTACCTGAGCAGGAACAAAGGCCTCCACTGGTTCAGCAGAGATTTCTTGACGTAGCCAA[C>A]CTCAATAATCCTTGTACCTCCACTCAAGAACCCACAGAAGGGCTAGGAGAGTGCTACCAC-3'
Protein context (NP_036214.2, residues 755-775): LVQQRFLDVA[Asn765Lys]LNNPCTSTQE